The following is an entry in ClinVar:

ClinVar aggregate classification (germline): Uncertain significance (1 of 4 stars; one submission).

Conditions:
Hereditary cancer-predisposing syndrome. Also called: Hereditary neoplastic syndrome; Neoplastic Syndromes, Hereditary; Tumor predisposition; Hereditary Cancer Syndrome. Identifiers: Orphanet 140162, MedGen C0027672, MeSH D009386, MONDO:0015356.

Submission:

Ambry Genetics
Classification: Uncertain significance for Hereditary cancer-predisposing syndrome. Last evaluated: 2025-08-27. Review status: criteria provided, single submitter. Criteria: Ambry Variant Classification Scheme 2023. Collection method: clinical testing. Allele origin: germline.
Comment: The p.S546I variant (also known as c.1637G>T), located in coding exon 16 of the MUTYH gene, results from a G to T substitution at nucleotide position 1637. The serine at codon 546 is replaced by isoleucine, an amino acid with dissimilar properties. This amino acid position is conserved. In addition, this alteration is predicted to be tolerated by in silico analysis. Based on the available evidence, the clinical significance of this variant remains unclear.

NM_001048174.2(MUTYH):c.1553G>T (p.Ser518Ile)

Gene: MUTYH (mutY DNA glycosylase; minus strand). Cytogenetic location: 1p34.1.
Variant type: single nucleotide variant.
Coding change: c.1553G>T on transcript NM_001048174.2 (MANE Select); coding-DNA position 1553, G replaced by T.
Protein change: p.Ser518Ile; replaces serine 518 with isoleucine.
Molecular consequence: missense variant. On other transcripts: non-coding transcript variant (7).
Genome position (GRCh38, 1-based): chr1:45,329,319, C>A on the plus strand (G>T on the coding strand, the complement: MUTYH is on the minus strand). VCF-style: chr1-45329319-C-A. GRCh37 (hg19) VCF-style: chr1-45794991-C-A.
Other names: c.1553G>T, p.Ser518Ile (NM_001048171.2, NM_001048173.2, NM_001407088.1 and 6 more transcripts); c.1556G>T, p.Ser519Ile (NM_001048172.2, NM_001407086.1, NM_001407071.1 and 1 more transcripts); c.1208G>T, p.Ser403Ile (NM_001407082.1, NM_001350650.2, NM_001350651.2); c.1595G>T, p.Ser532Ile (NM_001407083.1, NM_001407085.1); c.1574G>T, p.Ser525Ile (NM_001407087.1); c.1277G>T, p.Ser426Ile (NM_001407091.1, NM_001293192.2, NM_001293196.2); c.1628G>T, p.Ser543Ile (NM_012222.3); c.1637G>T, p.Ser546Ile (NM_001128425.2); and 5 more; short protein forms S426I, S518I, S519I, S525I, S403I, S504I, S533I, S543I.
Identifiers: ClinVar variation 4113480 (VCV004113480.1).
Genomic context (GRCh38, chr1:45,329,319, plus strand): 5'-ACTTTACTAACAACAGGATTCTCAGGGAATGGGGGCTTTCAGAGGTGTCACTGGGCTGCA[C>A]TGTTGAGGCTGTGTGCATCAGTGGAGATGTGAGACCGAAAGAAATTATCCAGGACTTGCT-3'
Protein context (NP_001041639.1, residues 508-521): HISTDAHSLN[Ser518Ile]AAQ